The following is an entry in ClinVar:

NM_004082.5(DCTN1):c.676G>A (p.Asp226Asn)

Gene: DCTN1 (dynactin subunit 1; minus strand). Cytogenetic location: 2p13.1.
Variant type: single nucleotide variant.
Coding change: c.676G>A on transcript NM_004082.5 (MANE Select); coding-DNA position 676, G replaced by A.
Protein change: p.Asp226Asn; replaces aspartic acid 226 with asparagine.
Molecular consequence: missense variant. On other transcripts: non-coding transcript variant (1).
Genome position (GRCh38, 1-based): chr2:74,371,146, C>T on the plus strand (G>A on the coding strand, the complement: DCTN1 is on the minus strand). VCF-style: chr2-74371146-C-T. GRCh37 (hg19) VCF-style: chr2-74598273-C-T.
Other names: c.616G>A, p.Asp206Asn (NM_001135040.3); c.274G>A, p.Asp92Asn (NM_001135041.3, NM_023019.4); c.565G>A, p.Asp189Asn (NM_001190836.2); c.655G>A, p.Asp219Asn (NM_001190837.2); c.625G>A, p.Asp209Asn (NM_001378991.1); c.607G>A, p.Asp203Asn (NM_001378992.1); short protein forms D92N, D226N, D203N, D209N, D189N, D206N, D219N.
Identifiers: ClinVar variation 941854 (VCV000941854.12), dbSNP rs539287431, ClinGen allele CA1722337.
Genomic context (GRCh38, chr2:74,371,146, plus strand): 5'-TTAGCTTTGCTTTGTCTTCTGCCCGTTTCAGTCTCAGGGTCTCTAGTTTCTCCTCCAGGT[C>T]CCGCACCTGAGCCCTTAGTCCCTCCTCCTCCTGCAAAGGAGAGGCCTCACGGTCTGTGCA-3'
Protein context (NP_004073.2, residues 216-236): EEEGLRAQVR[Asp226Asn]LEEKLETLRL

ClinVar aggregate classification (germline): Uncertain significance. Review status: criteria provided, multiple submitters, no conflicts (2 of 4 stars). 3 submissions from 3 submitters: Uncertain significance (2). 1 of the submissions does not count toward it. Last evaluated 2024-06-23.

Conditions:
Amyotrophic lateral sclerosis type 1 (ALS1). Also called: AMYOTROPHIC LATERAL SCLEROSIS 1, FAMILIAL. Identifiers: Orphanet 803, MedGen C1862939, MONDO:0007103, OMIM 105400.
Perry syndrome. Also called: PARKINSONISM WITH ALVEOLAR HYPOVENTILATION AND MENTAL DEPRESSION. Identifiers: Orphanet 178509, MedGen C1868594, MONDO:0008201, OMIM 168605.
Neuronopathy, distal hereditary motor, type 7B. Also called: Distal Hereditary Motor Neuronopathy Type 7B (dHMN7B); NEURONOPATHY, DISTAL HEREDITARY MOTOR, AUTOSOMAL DOMINANT 14; NEURONOPATHY, DISTAL HEREDITARY MOTOR, HARDING TYPE VIIB; NEUROPATHY, DISTAL HEREDITARY MOTOR, HARDING TYPE VIIB; NEUROPATHY, DISTAL HEREDITARY MOTOR, WITH VOCAL CORD PARALYSIS, HARDING TYPE VIIB; HMN VIIB. Identifiers: Orphanet 139589, MedGen C1843315, MONDO:0011879, OMIM 607641.
DCTN1-related disorder. Also called: DCTN1-related condition.
Amyotrophic lateral sclerosis (ALS). Also called: Charcot disease; Lou Gehrig disease. Identifiers: Orphanet 803, MedGen C0002736, MONDO:0004976, HP:0007354.

Allele frequency attached by ClinVar (database versions not stated): ExAC 0.00001; gnomAD 0.00001; gnomAD exomes 0.00001; 1000 Genomes Project 30x 0.00016; 1000 Genomes Project 0.00020.
gnomAD v4.1: 4 of 1,614,026 alleles (0.00025%); highest among the groups gnomAD compares: East Asian, 0.0045%; no homozygotes.

Submissions (3):

Labcorp Genetics (formerly Invitae), Labcorp
Classification: Uncertain significance for Amyotrophic lateral sclerosis type 1; Neuronopathy, distal hereditary motor, type 7B; Perry syndrome. Last evaluated: 2024-06-23. Review status: criteria provided, single submitter. Criteria: Invitae Variant Classification Sherloc (09022015). Collection method: clinical testing. Allele origin: germline.
Comment: This sequence change replaces aspartic acid, which is acidic and polar, with asparagine, which is neutral and polar, at codon 226 of the DCTN1 protein (p.Asp226Asn). This variant is present in population databases (rs539287431, gnomAD 0.002%). This variant has not been reported in the literature in individuals affected with DCTN1-related conditions. ClinVar contains an entry for this variant (Variation ID: 941854). Advanced modeling of protein sequence and biophysical properties (such as structural, functional, and spatial information, amino acid conservation, physicochemical variation, residue mobility, and thermodynamic stability) performed at Invitae indicates that this missense variant is expected to disrupt DCTN1 protein function with a positive predictive value of 80%. In summary, the available evidence is currently insufficient to determine the role of this variant in disease. Therefore, it has been classified as a Variant of Uncertain Significance.

Department of Pathology and Laboratory Medicine, Sinai Health System
Classification: Uncertain significance for amyotrophic lateral sclerosis. Last evaluated: 2022-03-29. Review status: criteria provided, single submitter. Criteria: ACMG Guidelines, 2015. Collection method: research. Allele origin: germline.

PreventionGenetics, part of Exact Sciences
Classification: Uncertain significance for DCTN1-related condition. Last evaluated: 2024-04-04. Review status: no assertion criteria provided. Collection method: clinical testing. Allele origin: germline. Not counted in ClinVar's aggregate classification.
Comment: The DCTN1 c.676G>A variant is predicted to result in the amino acid substitution p.Asp226Asn. To our knowledge, this variant has not been reported in the literature. This variant is reported in 0.0054% of alleles in individuals of East Asian descent in gnomAD. At this time, the clinical significance of this variant is uncertain due to the absence of conclusive functional and genetic evidence.